The following is an entry in ClinVar:

ClinVar aggregate classification (germline): Uncertain significance (1 of 4 stars; one submission).

Submission:

CeGaT Center for Human Genetics Tuebingen
Classification: Uncertain significance. Last evaluated: 2022-06-01. Review status: criteria provided, single submitter. Criteria: CeGaT Center For Human Genetics Tuebingen Variant Classification Criteria Version 2. Collection method: clinical testing. Allele origin: germline. Affected: yes. Observed: 1 variant allele.
Comment: SMARCA2: PM2, BP4

NM_003070.5(SMARCA2):c.229A>G (p.Ile77Val)

Gene: SMARCA2 (SWI/SNF related BAF chromatin remodeling complex subunit ATPase 2; plus strand). Cytogenetic location: 9p24.3.
Variant type: single nucleotide variant.
Coding change: c.229A>G on transcript NM_003070.5 (MANE Select); coding-DNA position 229, A replaced by G.
Protein change: p.Ile77Val; replaces isoleucine 77 with valine.
Molecular consequence: missense variant.
Genome position (GRCh38, 1-based): chr9:2,032,955, A>G. VCF-style: chr9-2032955-A-G. GRCh37 (hg19) VCF-style: chr9-2032955-A-G.
Other names: c.229A>G, p.Ile77Val (NM_001289396.2, NM_001289397.2, NM_139045.4); short protein forms I77V.
Identifiers: ClinVar variation 2659028 (VCV002659028.23), dbSNP rs2537203032, ClinGen allele CA372779448.